The following is an entry in ClinVar:

NM_014363.6(SACS):c.1004C>T (p.Ser335Leu)

Gene: SACS (sacsin molecular chaperone; minus strand). Cytogenetic location: 13q12.12.
Variant type: single nucleotide variant.
Coding change: c.1004C>T on transcript NM_014363.6 (MANE Select); coding-DNA position 1004, C replaced by T.
Protein change: p.Ser335Leu; replaces serine 335 with leucine.
Molecular consequence: missense variant.
Genome position (GRCh38, 1-based): chr13:23,355,608, G>A on the plus strand (C>T on the coding strand, the complement: SACS is on the minus strand). VCF-style: chr13-23355608-G-A. GRCh37 (hg19) VCF-style: chr13-23929747-G-A.
Other names: c.563C>T, p.Ser188Leu (NM_001278055.2); short protein forms S335L, S188L.
Identifiers: ClinVar variation 557514 (VCV000557514.17), dbSNP rs767435985, ClinGen allele CA6911990.

ClinVar aggregate classification (germline): Conflicting classifications of pathogenicity. Review status: criteria provided, conflicting classifications (1 of 4 stars). 6 submissions from 6 submitters: Uncertain significance (4); Likely benign (1). 1 of the submissions does not count toward it. Last evaluated 2026-05-05.

Conditions:
Hereditary spastic paraplegia. Also called: Familial spastic paraparesis. Identifiers: Orphanet 685, MedGen C0037773, MONDO:0019064. Disease mechanism: loss of function.
Charlevoix-Saguenay spastic ataxia (SACS). Also called: AUTOSOMAL RECESSIVE SPASTIC ATAXIA OF CHARLEVOIX-SAGUENAY; SPASTIC ATAXIA 6, AUTOSOMAL RECESSIVE; Spastic ataxia of Charlevoix-Saguenay. Identifiers: Orphanet 98, MedGen C1849140, MONDO:0010041, OMIM 270550.
Spastic paraplegia. Identifiers: MedGen C0037772, HP:0001258.
SACS-related disorder. Also called: SACS-related condition.

Allele frequency attached by ClinVar (database versions not stated): gnomAD 0.00001 and 0.00003; gnomAD exomes 0.00003 and 0.00006; TOPMed 0.00003; ExAC 0.00007.
gnomAD v4.1: 42 of 1,614,052 alleles (0.0026%); highest among the groups gnomAD compares: Middle Eastern, 0.21%; 1 homozygote.

Submissions (6):

PreventionGenetics, part of Exact Sciences
Classification: Uncertain significance for SACS-related condition. Last evaluated: 2026-05-05. Review status: criteria provided, single submitter. Criteria: ACMG Guidelines, 2015. Collection method: clinical testing. Allele origin: germline.
Comment: The SACS c.1004C>T variant is predicted to result in the amino acid substitution p.Ser335Leu. This variant has been reported with a second SACS variant in an individual with features of Charlevoix-Saguenay spastic ataxia (Supp. Table 2, Alfares et al. 2017. PubMed ID: 28454995). This variant is reported in 0.040% of alleles in individuals of Latino descent in gnomAD, including one homozygote. At this time, the clinical significance of this variant is uncertain due to the absence of conclusive functional and genetic evidence.

Labcorp Genetics (formerly Invitae), Labcorp
Classification: Likely benign for Spastic paraplegia. Last evaluated: 2025-12-14. Review status: criteria provided, single submitter. Criteria: Invitae Variant Classification Sherloc (09022015). Collection method: clinical testing. Allele origin: germline.

Blueprint Genetics
Classification: Uncertain significance. Last evaluated: 2024-05-10. Review status: criteria provided, single submitter. Criteria: ACMG Guidelines, 2015. Collection method: clinical testing. Allele origin: germline.

Revvity Omics, Revvity
Classification: Uncertain significance for Charlevoix-Saguenay spastic ataxia. Last evaluated: 2022-06-10. Review status: criteria provided, single submitter. Criteria: ACMG Guidelines, 2015. Collection method: clinical testing. Allele origin: germline.

Genome Diagnostics Laboratory, The Hospital for Sick Children
Classification: Uncertain significance for Hereditary spastic paraplegia. Last evaluated: 2018-05-01. Review status: criteria provided, single submitter. Criteria: ACMG Guidelines, 2015. Collection method: clinical testing. Allele origin: germline. Affected: yes.

Counsyl
Classification: Uncertain significance for Charlevoix-Saguenay spastic ataxia. Last evaluated: 2018-03-27. Review status: no assertion criteria provided. Collection method: clinical testing. Allele origin: unknown. Not counted in ClinVar's aggregate classification.

Literature cited by the submitters: PubMed 28454995 (cited by Counsyl).